The following is an entry in ClinVar:

ClinVar aggregate classification (germline): Likely benign. Review status: criteria provided, multiple submitters, no conflicts (2 of 4 stars). 3 submissions from 3 submitters: Likely benign (2). 1 of the submissions does not count toward it. Last evaluated 2025-09-28.

Conditions:
Dyskeratosis congenita, autosomal dominant 2. Identifiers: MedGen C3151443, MONDO:0013521, OMIM 613989.
Idiopathic Pulmonary Fibrosis. Also called: Idiopathic fibrosing alveolitis, chronic form; idiopathic fibrosing alveolitis. Identifiers: Orphanet 2032, MedGen C1800706, MeSH D054990, MONDO:0800504.
TERT-related disorder. Also called: TERT-related condition; TERT-related disorders.
Dyskeratosis congenita. Identifiers: Orphanet 1775, MedGen C0265965, MONDO:0015780.

Allele frequency attached by ClinVar (database versions not stated): gnomAD exomes 0.00001 and 0.00004; ExAC 0.00003; gnomAD 0.00005 and 0.00006; TOPMed 0.00006.
gnomAD v4.1: 28 of 1,613,624 alleles (0.0017%); highest among the groups gnomAD compares: African/African-American, 0.013%; no homozygotes.

Submissions (3):

Labcorp Genetics (formerly Invitae), Labcorp
Classification: Likely benign for Dyskeratosis congenita, autosomal dominant 2; Idiopathic Pulmonary Fibrosis. Last evaluated: 2025-09-28. Review status: criteria provided, single submitter. Criteria: Invitae Variant Classification Sherloc (09022015). Collection method: clinical testing. Allele origin: germline.

Ambry Genetics
Classification: Likely benign for Dyskeratosis congenita. Last evaluated: 2022-04-06. Review status: criteria provided, single submitter. Criteria: Ambry Variant Classification Scheme 2023. Collection method: clinical testing. Allele origin: germline.

PreventionGenetics, part of Exact Sciences
Classification: Likely benign for TERT-related condition. Last evaluated: 2021-12-29. Review status: no assertion criteria provided. Collection method: clinical testing. Allele origin: germline. Not counted in ClinVar's aggregate classification.
Comment: This variant is classified as likely benign based on ACMG/AMP sequence variant interpretation guidelines (Richards et al. 2015 PMID: 25741868, with internal and published modifications).

NM_198253.3(TERT):c.1842C>T (p.Pro614=)

Gene: TERT (telomerase reverse transcriptase; minus strand). Cytogenetic location: 5p15.33.
Variant type: single nucleotide variant.
Coding change: c.1842C>T on transcript NM_198253.3 (MANE Select); coding-DNA position 1842, C replaced by T.
Protein change: p.Pro614=; no amino-acid change (proline 614 retained).
Molecular consequence: synonymous variant. On other transcripts: non-coding transcript variant (2).
Genome position (GRCh38, 1-based): chr5:1,280,266, G>A on the plus strand (C>T on the coding strand, the complement: TERT is on the minus strand). VCF-style: chr5-1280266-G-A. GRCh37 (hg19) VCF-style: chr5-1280381-G-A.
Other names: c.1842C>T, p.Pro614= (NM_001193376.3).
Identifiers: ClinVar variation 706284 (VCV000706284.15), dbSNP rs747157175, ClinGen allele CA3184744.